The following is an entry in ClinVar:

NM_006245.4(PPP2R5D):c.752A>T (p.Asp251Val)

Gene: PPP2R5D (protein phosphatase 2 regulatory subunit B'delta; plus strand). Cytogenetic location: 6p21.1.
Variant type: single nucleotide variant.
Coding change: c.752A>T on transcript NM_006245.4 (MANE Select); coding-DNA position 752, A replaced by T.
Protein change: p.Asp251Val; replaces aspartic acid 251 with valine.
Molecular consequence: missense variant.
Genome position (GRCh38, 1-based): chr6:43,007,960, A>T. VCF-style: chr6-43007960-A-T. GRCh37 (hg19) VCF-style: chr6-42975698-A-T.
Other names: c.299A>T, p.Asp100Val (NM_001270476.2); c.656A>T, p.Asp219Val (NM_180976.3); c.434A>T, p.Asp145Val (NM_180977.3); short protein forms D251V, D145V, D219V, D100V.
Identifiers: ClinVar variation 420814 (VCV000420814.21), dbSNP rs1064794719, ClinGen allele CA16618288.
Genomic context (GRCh38, chr6:43,007,960, plus strand): 5'-CCTCACTGGCTGCTTTCCCTCCCTTGTACCCCCAGCTCCTAGACCTATTTGACAGTGAGG[A>T]TCCTCGAGAGCGGGACTTCCTCAAGACCATTTTGCATCGCATCTATGGCAAGTTTTTGGG-3'
Protein context (NP_006236.1, residues 241-261): LALLDLFDSE[Asp251Val]PRERDFLKTI

ClinVar aggregate classification (germline): Conflicting classifications of pathogenicity. Review status: criteria provided, conflicting classifications (1 of 4 stars). 5 submissions from 5 submitters: Pathogenic (2); Likely pathogenic (1); Uncertain significance (2). Last evaluated 2024-06-19.

Conditions:
Houge-Janssens syndrome 1. Also called: PPP2R5D-Related Neurodevelopmental Disorder; INTELLECTUAL DEVELOPMENTAL DISORDER, AUTOSOMAL DOMINANT 35; Intellectual disability-macrocephaly-hypotonia-behavioral abnormalities syndrome; Hogue-Janssens syndrome 1. Identifiers: Orphanet 457279, MedGen C5779996, MONDO:0014602, OMIM 616355.

Submissions (5):

Institute of Human Genetics Munich, TUM University Hospital
Classification: Pathogenic for Houge-Janssens syndrome 1. Last evaluated: 2024-06-19. Review status: criteria provided, single submitter. Criteria: Classification criteria August 2017. Collection method: clinical testing. Allele origin: de novo. Inheritance: Autosomal dominant inheritance. Affected: yes. Observed: 1 variant allele.

Labcorp Genetics (formerly Invitae), Labcorp
Classification: Uncertain significance. Last evaluated: 2022-09-14. Review status: criteria provided, single submitter. Criteria: Invitae Variant Classification Sherloc (09022015). Collection method: clinical testing. Allele origin: germline.
Comment: This variant disrupts the p.Asp251 amino acid residue in PPP2R5D. Other variant(s) that disrupt this residue have been determined to be pathogenic (Invitae). This suggests that this residue is clinically significant, and that variants that disrupt this residue are likely to be disease-causing. In summary, the available evidence is currently insufficient to determine the role of this variant in disease. Therefore, it has been classified as a Variant of Uncertain Significance. Algorithms developed to predict the effect of missense changes on protein structure and function (SIFT, PolyPhen-2, Align-GVGD) all suggest that this variant is likely to be disruptive. This sequence change replaces aspartic acid, which is acidic and polar, with valine, which is neutral and non-polar, at codon 251 of the PPP2R5D protein (p.Asp251Val). This variant is not present in population databases (gnomAD no frequency). This missense change has been observed in individual(s) with clinical features of PPP2R5D-related conditions (Invitae). ClinVar contains an entry for this variant (Variation ID: 420814).

Revvity Omics, Revvity
Classification: Uncertain significance for Houge-Janssens syndrome 1. Last evaluated: 2021-04-08. Review status: criteria provided, single submitter. Criteria: ACMG Guidelines, 2015. Collection method: clinical testing. Allele origin: germline.

Genomic Research Center, Shahid Beheshti University of Medical Sciences
Classification: Pathogenic for Houge-Janssens syndrome 1. Last evaluated: 2020-05-03. Review status: criteria provided, single submitter. Criteria: ACMG Guidelines, 2015. Collection method: clinical testing. Allele origin: unknown. Affected: yes.

GeneDx
Classification: Likely pathogenic. Last evaluated: 2016-03-28. Review status: criteria provided, single submitter. Criteria: GeneDx Variant Classification (06012015). Collection method: clinical testing. Allele origin: germline. Affected: yes.
Comment: The D251V variant in the PPP2R5D gene has not been reported previously as a pathogenic variant, nor as a benign variant, to our knowledge. The D251V variant was not observed in approximately 6500 individuals of European and African American ancestry in the NHLBI Exome Sequencing Project, indicating it is not a common benign variant in these populations. The D251V variant is a non-conservative amino acid substitution, which occurs at a position that is conserved across species. In silico analysis predicts this variant is probably damaging to the protein structure/function. The D251V variant is a strong candidate for a pathogenic variant,